The following is an entry in ClinVar:

NM_001042750.2(STAG2):c.394A>G (p.Thr132Ala)

Gene: STAG2 (STAG2 cohesin complex component; plus strand). Cytogenetic location: Xq25.
Variant type: single nucleotide variant.
Coding change: c.394A>G on transcript NM_001042750.2 (MANE Select); coding-DNA position 394, A replaced by G.
Protein change: p.Thr132Ala; replaces threonine 132 with alanine.
Molecular consequence: missense variant.
Genome position (GRCh38, 1-based): chrX:124,042,577, A>G. VCF-style: chrX-124042577-A-G. GRCh37 (hg19) VCF-style: chrX-123176427-A-G.
Other names: c.394A>G, p.Thr132Ala (NM_001042749.2, NM_001042751.2, NM_001282418.2 and 23 more transcripts); short protein forms T132A.
Identifiers: ClinVar variation 4685279 (VCV004685279.1).

ClinVar aggregate classification (germline): Uncertain significance (1 of 4 stars; one submission).

Submission:

GeneDx
Classification: Uncertain significance. Last evaluated: 2025-07-10. Review status: criteria provided, single submitter. Criteria: GeneDx Variant Classification Process June 2021. Collection method: clinical testing. Allele origin: germline. Affected: yes.
Comment: Not observed at significant frequency in large population cohorts (gnomAD); In silico analysis supports that this missense variant has a deleterious effect on protein structure/function; Has not been previously published as pathogenic or benign to our knowledge